The following is an entry in ClinVar:

NM_001366722.1(GRIP1):c.3099T>A (p.Asn1033Lys)

Gene: GRIP1 (glutamate receptor interacting protein 1; minus strand). Cytogenetic location: 12q14.3.
Variant type: single nucleotide variant.
Coding change: c.3099T>A on transcript NM_001366722.1 (MANE Select); coding-DNA position 3099, T replaced by A.
Protein change: p.Asn1033Lys; replaces asparagine 1033 with lysine.
Molecular consequence: missense variant.
Genome position (GRCh38, 1-based): chr12:66,353,477, A>T on the plus strand (T>A on the coding strand, the complement: GRIP1 is on the minus strand). VCF-style: chr12-66353477-A-T. GRCh37 (hg19) VCF-style: chr12-66747257-A-T.
Other names: c.2898T>A, p.Asn966Lys (NM_001178074.2, NM_001379351.1); c.3018T>A, p.Asn1006Lys (NM_001366723.1); c.3021T>A, p.Asn1007Lys (NM_001366724.1); c.3177T>A, p.Asn1059Lys (NM_001379345.1); c.3054T>A, p.Asn1018Lys (NM_001379346.1); c.2976T>A, p.Asn992Lys (NM_001379347.1); c.2973T>A, p.Asn991Lys (NM_001379348.1); c.2946T>A, p.Asn982Lys (NM_001379349.1); and 1 more; short protein forms N981K, N1059K, N966K, N982K, N992K, N1018K, N1033K, N991K.
Identifiers: ClinVar variation 2070450 (VCV002070450.2), dbSNP rs369087420, ClinGen allele CA6673933.

ClinVar aggregate classification (germline): Uncertain significance (1 of 4 stars; one submission).

Allele frequency attached by ClinVar (database versions not stated): ExAC 0.00002; gnomAD 0.00002; TOPMed 0.00002; ESP Exome Variant Server 0.00008; gnomAD exomes 0.00001.
gnomAD v4.1: 18 of 1,613,010 alleles (0.0011%); highest among the groups gnomAD compares: Admixed American, 0.0067%; no homozygotes.

Submission:

Labcorp Genetics (formerly Invitae), Labcorp
Classification: Uncertain significance. Last evaluated: 2024-05-07. Review status: criteria provided, single submitter. Criteria: Invitae Variant Classification Sherloc (09022015). Collection method: clinical testing. Allele origin: germline.
Comment: This sequence change replaces asparagine, which is neutral and polar, with lysine, which is basic and polar, at codon 981 of the GRIP1 protein (p.Asn981Lys). This variant is present in population databases (rs369087420, gnomAD 0.004%). This variant has not been reported in the literature in individuals affected with GRIP1-related conditions. ClinVar contains an entry for this variant (Variation ID: 2070450). Advanced modeling of protein sequence and biophysical properties (such as structural, functional, and spatial information, amino acid conservation, physicochemical variation, residue mobility, and thermodynamic stability) performed at Invitae indicates that this missense variant is not expected to disrupt GRIP1 protein function with a negative predictive value of 80%. In summary, the available evidence is currently insufficient to determine the role of this variant in disease. Therefore, it has been classified as a Variant of Uncertain Significance.